The following is an entry in ClinVar:

NC_000015.9:g.(?_62146656)_(63358098_?)dup

Genes: C2CD4A (C2 calcium dependent domain containing 4A; plus strand), C2CD4B (C2 calcium dependent domain containing 4B; minus strand), TLN2 (talin 2; plus strand), TPM1 (tropomyosin 1; plus strand), VPS13C (vacuolar protein sorting 13 homolog C; minus strand). Cytogenetic location: 15q22.2.
Variant type: Duplication.
Identifiers: ClinVar variation 1448059 (VCV001448059.1).

ClinVar aggregate classification (germline): Uncertain significance (1 of 4 stars; one submission).

Submission:

Labcorp Genetics (formerly Invitae), Labcorp
Classification: Uncertain significance. Last evaluated: 2021-06-20. Review status: criteria provided, single submitter. Criteria: Invitae Variant Classification Sherloc (09022015). Collection method: clinical testing. Allele origin: germline.
Comment: A copy number gain of the genomic region encompassing the full coding sequence of the VPS13C gene has been identified. The boundaries of this event are unknown as they extend beyond the assayed region for this gene and therefore may encompass additional genes. As the precise location of this event is unknown, it may be in tandem or it may be located elsewhere in the genome. This variant has not been reported in the literature in individuals with VPS13C-related conditions. In summary, the available evidence is currently insufficient to determine the role of this variant in disease. Therefore, it has been classified as a Variant of Uncertain Significance.